The following is an entry in ClinVar:

NM_001130438.3(SPTAN1):c.6520T>A (p.Trp2174Arg)

Gene: SPTAN1 (spectrin alpha, non-erythrocytic 1; plus strand). Cytogenetic location: 9q34.11.
Variant type: single nucleotide variant.
Coding change: c.6520T>A on transcript NM_001130438.3 (MANE Select); coding-DNA position 6520, T replaced by A.
Protein change: p.Trp2174Arg; replaces tryptophan 2174 with arginine.
Molecular consequence: missense variant.
Genome position (GRCh38, 1-based): chr9:128,626,631, T>A. VCF-style: chr9-128626631-T-A. GRCh37 (hg19) VCF-style: chr9-131388910-T-A.
Other names: c.6445T>A, p.Trp2149Arg (NM_001195532.2, NM_001438444.1, NM_001438441.1); c.6520T>A, p.Trp2174Arg (NM_001363759.2, NM_001375310.1, NM_001375311.2 and 1 more transcripts); c.6505T>A, p.Trp2169Arg (NM_001438443.1, NM_001438445.1, NM_003127.4); c.6460T>A, p.Trp2154Arg (NM_001363765.2, NM_001375314.2, NM_001438442.1); c.6556T>A, p.Trp2186Arg (NM_001375312.2, NM_001375318.1, NM_001438440.1); short protein forms W2149R, W2154R, W2169R, W2174R, W2186R.
Identifiers: ClinVar variation 4855497 (VCV004855497.1).

ClinVar aggregate classification (germline): Uncertain significance (1 of 4 stars; one submission).

Conditions:
SPTAN1-related disorder. Also called: SPTAN1-related disorders; SPTAN1-related condition.

Submission:

3billion
Classification: Uncertain significance for SPTAN1-related disorder. Last evaluated: 2026-01-22. Review status: criteria provided, single submitter. Criteria: ACMG Guidelines, 2015. Collection method: clinical testing. Allele origin: germline. Affected: yes.
Comment: The variant is not observed in the gnomAD v4.1.0 dataset. Predicted Consequence/Location: Missense variant In silico tool predictions suggest damaging effect of the variant on gene or gene product [REVEL: 0.68 (>=0.6, sensitivity 0.68 and specificity 0.92)]. Therefore, this variant is classified as VUS according to the recommendation of ACMG/AMP guideline.